The following is an entry in ClinVar:

NM_002049.4(GATA1):c.1191C>T (p.Gly397=)

Gene: GATA1 (GATA binding protein 1; plus strand). Cytogenetic location: Xp11.23.
Variant type: single nucleotide variant.
Coding change: c.1191C>T on transcript NM_002049.4 (MANE Select); coding-DNA position 1191, C replaced by T.
Protein change: p.Gly397=; no amino-acid change (glycine 397 retained).
Molecular consequence: synonymous variant.
Genome position (GRCh38, 1-based): chrX:48,794,113, C>T. VCF-style: chrX-48794113-C-T. GRCh37 (hg19) VCF-style: chrX-48652520-C-T.
Identifiers: ClinVar variation 1990751 (VCV001990751.4), dbSNP rs782546475, ClinGen allele CA516030390.

ClinVar aggregate classification (germline): Uncertain significance (1 of 4 stars; one submission).

Conditions:
Diamond-Blackfan anemia. Also called: Blackfan Diamond syndrome; Aregenerative anemia chronic congenital; Red cell aplasia, pure hereditary; Congenital hypoplastic anemia; Aase syndrome. Identifiers: Orphanet 124, MedGen C1260899, MeSH D029503, MONDO:0015253, HP:0004810.
GATA binding protein 1 related thrombocytopenia with dyserythropoiesis. Also called: GATA1-Related X-Linked Cytopenia; GATA1-Related Cytopenia. Identifiers: MedGen C1845837, MONDO:0100089.

gnomAD v4.1: 2 of 1,187,978 alleles (0.00017%); highest among the groups gnomAD compares: Non-Finnish European, 0.00023%; no homozygotes.

Submission:

Labcorp Genetics (formerly Invitae), Labcorp
Classification: Uncertain significance for GATA binding protein 1 related thrombocytopenia with dyserythropoiesis; Diamond-Blackfan anemia. Last evaluated: 2022-06-14. Review status: criteria provided, single submitter. Criteria: Invitae Variant Classification Sherloc (09022015). Collection method: clinical testing. Allele origin: germline.
Comment: In summary, the available evidence is currently insufficient to determine the role of this variant in disease. Therefore, it has been classified as a Variant of Uncertain Significance. Algorithms developed to predict the effect of sequence changes on RNA splicing suggest that this variant may create or strengthen a splice site. This variant has not been reported in the literature in individuals affected with GATA1-related conditions. This variant is not present in population databases (gnomAD no frequency). This sequence change affects codon 397 of the GATA1 mRNA. It is a 'silent' change, meaning that it does not change the encoded amino acid sequence of the GATA1 protein.